The following is an entry in ClinVar:

ClinVar aggregate classification (germline): Uncertain significance. Review status: criteria provided, multiple submitters, no conflicts (2 of 4 stars). 2 submissions from 2 submitters: Uncertain significance (2). Last evaluated 2025-08-27.

Conditions:
Hereditary cancer-predisposing syndrome. Also called: Neoplastic Syndromes, Hereditary; Hereditary Cancer Syndrome; Hereditary neoplastic syndrome; Tumor predisposition. Identifiers: Orphanet 140162, MedGen C0027672, MeSH D009386, MONDO:0015356.
Familial adenomatous polyposis 2. Also called: Adenomas, multiple colorectal; MUTYH Polyposis; COLORECTAL ADENOMATOUS POLYPOSIS, AUTOSOMAL RECESSIVE; ADENOMAS, MULTIPLE COLORECTAL, AUTOSOMAL RECESSIVE; FAP type 2; MUTYH-associated polyposis. Identifiers: Orphanet 220460, Orphanet 247798, MedGen C3272841, MONDO:0012041, OMIM 608456.

Submissions (2):

Ambry Genetics
Classification: Uncertain significance for Hereditary cancer-predisposing syndrome. Last evaluated: 2025-08-27. Review status: criteria provided, single submitter. Criteria: Ambry Variant Classification Scheme 2023. Collection method: clinical testing. Allele origin: germline.
Comment: The p.P522T variant (also known as c.1564C>A), located in coding exon 16 of the MUTYH gene, results from a C to A substitution at nucleotide position 1564. The proline at codon 522 is replaced by threonine, an amino acid with highly similar properties. This amino acid position is conserved. In addition, this alteration is predicted to be tolerated by in silico analysis. Based on the available evidence, the clinical significance of this variant remains unclear.

Labcorp Genetics (formerly Invitae), Labcorp
Classification: Uncertain significance for Familial adenomatous polyposis 2. Last evaluated: 2018-05-16. Review status: criteria provided, single submitter. Criteria: Invitae Variant Classification Sherloc (09022015). Collection method: clinical testing. Allele origin: germline.
Comment: In summary, the available evidence is currently insufficient to determine the role of this variant in disease. Therefore, it has been classified as a Variant of Uncertain Significance. Algorithms developed to predict the effect of missense changes on protein structure and function output the following: SIFT: "Tolerated"; PolyPhen-2: "Benign"; Align-GVGD: "Class C0". The threonine amino acid residue is found in multiple mammalian species, suggesting that this missense change does not adversely affect protein function. These predictions have not been confirmed by published functional studies and their clinical significance is uncertain. This variant has not been reported in the literature in individuals with MUTYH-related disease. This variant is not present in population databases (ExAC no frequency). This sequence change replaces proline with threonine at codon 522 of the MUTYH protein (p.Pro522Thr). The proline residue is highly conserved and there is a small physicochemical difference between proline and threonine.

NM_001048174.2(MUTYH):c.1480C>A (p.Pro494Thr)

Gene: MUTYH (mutY DNA glycosylase; minus strand). Cytogenetic location: 1p34.1.
Variant type: single nucleotide variant.
Coding change: c.1480C>A on transcript NM_001048174.2 (MANE Select); coding-DNA position 1480, C replaced by A.
Protein change: p.Pro494Thr; replaces proline 494 with threonine.
Molecular consequence: missense variant. On other transcripts: non-coding transcript variant (2).
Genome position (GRCh38, 1-based): chr1:45,329,392, G>T on the plus strand (C>A on the coding strand, the complement: MUTYH is on the minus strand). VCF-style: chr1-45329392-G-T. GRCh37 (hg19) VCF-style: chr1-45795064-G-T.
Other names: c.1480C>A, p.Pro494Thr (NM_001293195.2, NM_001048171.2, NM_001048173.2); c.1204C>A, p.Pro402Thr (NM_001293196.2, NM_001293192.2); c.1135C>A, p.Pro379Thr (NM_001350650.2, NM_001350651.2); c.1555C>A, p.Pro519Thr (NM_012222.3); c.1564C>A (NM_001128425.1); c.1483C>A, p.Pro495Thr (NM_001048172.2); c.1564C>A, p.Pro522Thr (NM_001128425.2); c.1525C>A, p.Pro509Thr (NM_001293190.2); and 1 more; short protein forms P379T, P402T, P494T, P495T, P505T, P509T, P519T, P522T.
Identifiers: ClinVar variation 1061628 (VCV001061628.10), dbSNP rs2149089064, ClinGen allele CA340131782.